The following is an entry in ClinVar:

ClinVar aggregate classification (germline): Uncertain significance (1 of 4 stars; one submission).

Submission:

GeneDx
Classification: Uncertain significance. Last evaluated: 2025-01-17. Review status: criteria provided, single submitter. Criteria: GeneDx Variant Classification Process June 2021. Collection method: clinical testing. Allele origin: germline. Affected: yes.
Comment: Not observed at significant frequency in large population cohorts (gnomAD); In silico analysis supports that this missense variant has a deleterious effect on protein structure/function; Has not been previously published as pathogenic or benign to our knowledge

NM_006421.5(ARFGEF1):c.328G>A (p.Gly110Arg)

Gene: ARFGEF1 (ARF guanine nucleotide exchange factor 1; minus strand). Cytogenetic location: 8q13.2.
Variant type: single nucleotide variant.
Coding change: c.328G>A on transcript NM_006421.5 (MANE Select); coding-DNA position 328, G replaced by A.
Protein change: p.Gly110Arg; replaces glycine 110 with arginine.
Molecular consequence: missense variant. On other transcripts: 5 prime UTR variant (4), non-coding transcript variant (1).
Genome position (GRCh38, 1-based): chr8:67,299,340, C>T on the plus strand (G>A on the coding strand, the complement: ARFGEF1 is on the minus strand). VCF-style: chr8-67299340-C-T. GRCh37 (hg19) VCF-style: chr8-68211575-C-T.
Other names: c.328G>A, p.Gly110Arg (NM_001413184.1, NM_001413185.1, NM_001413186.1 and 7 more transcripts); c.-273G>A (NM_001413188.1, NM_001413193.1, NM_001413197.1); c.-788G>A (NM_001413196.1); short protein forms G110R.
Identifiers: ClinVar variation 4070728 (VCV004070728.1).
Genomic context (GRCh38, chr8:67,299,340, plus strand): 5'-TTCTATCAATTAATTTTTTGCCTGGTGTTGTACTATCTGGAGCATTGCCAGTCAAGTGCC[C>T]ATAAGCAATAAGTTTCTAAAATGGAGAAAGAAAACAAAGATCCTAAGTAAGGTAACAAAT-3'
Protein context (NP_006412.2, residues 100-120): LDCLQKLIAY[Gly110Arg]HLTGNAPDST